The following is an entry in ClinVar:

ClinVar aggregate classification (germline): Conflicting classifications of pathogenicity. Review status: criteria provided, conflicting classifications (1 of 4 stars). 6 submissions from 6 submitters: Uncertain significance (1); Likely benign (3). 2 of the submissions do not count toward it. Last evaluated 2025-08-25.

Conditions:
Usher syndrome type 1 (USH1). Also called: RETINITIS PIGMENTOSA AND CONGENITAL DEAFNESS. Identifiers: Orphanet 231169, Orphanet 886, MedGen C1568247, MONDO:0010168, OMIM 276900.

Allele frequency attached by ClinVar (database versions not stated): gnomAD 0.00017; ExAC 0.00034; TOPMed 0.00015; ESP Exome Variant Server 0.00023; gnomAD exomes 0.00026.
gnomAD v4.1: 815 of 1,613,998 alleles (0.05%); highest among the groups gnomAD compares: Non-Finnish European, 0.066%; no homozygotes.

Submissions (6):

Labcorp Genetics (formerly Invitae), Labcorp
Classification: Likely benign. Last evaluated: 2025-08-25. Review status: criteria provided, single submitter. Criteria: Invitae Variant Classification Sherloc (09022015). Collection method: clinical testing. Allele origin: germline.

Blueprint Genetics
Classification: Likely benign. Last evaluated: 2024-10-31. Review status: criteria provided, single submitter. Criteria: ACMG Guidelines, 2015. Collection method: clinical testing. Allele origin: germline.

Illumina Laboratory Services, Illumina
Classification: Uncertain significance for Usher syndrome type 1. Last evaluated: 2018-01-13. Review status: criteria provided, single submitter. Criteria: ICSL Variant Classification Criteria 13 December 2019. Collection method: clinical testing. Allele origin: germline.

Laboratory for Molecular Medicine, Mass General Brigham Personalized Medicine
Classification: Likely benign. Last evaluated: 2016-02-07. Review status: criteria provided, single submitter. Criteria: LMM Criteria. Collection method: clinical testing. Allele origin: germline. Observed: 2 variant alleles.
Comment: p.Ser1658Ser in Exon 33 of PCDH15: This variant is not expected to have clinical significance because it does not alter an amino acid residue, is not located wi thin the splice consensus sequence, and has been identified in 37/66728 European chromosomes by the Exome Aggregation Consortium (ExAC; dbSNP rs147993163).

Clinical Genetics DNA and cytogenetics Diagnostics Lab, Erasmus MC, Erasmus Medical Center
Classification: Likely benign. Review status: no assertion criteria provided. Collection method: clinical testing. Allele origin: germline. Affected: yes. Study: VKGL Data-share Consensus. Not counted in ClinVar's aggregate classification.

Clinical Genetics, Academic Medical Center
Classification: Benign. Review status: no assertion criteria provided. Collection method: clinical testing. Allele origin: germline. Affected: yes. Study: VKGL Data-share Consensus. Not counted in ClinVar's aggregate classification.

NM_033056.4(PCDH15):c.4974A>C (p.Ser1658=)

Gene: PCDH15 (protocadherin related 15; minus strand). Cytogenetic location: 10q21.1.
Variant type: single nucleotide variant.
Coding change: c.4974A>C on transcript NM_033056.4 (MANE Plus Clinical); coding-DNA position 4974, A replaced by C.
Protein change: p.Ser1658=; no amino-acid change (serine 1658 retained).
Molecular consequence: synonymous variant. On other transcripts: intron variant (8).
Genome position (GRCh38, 1-based): chr10:53,822,752, T>G on the plus strand (A>C on the coding strand, the complement: PCDH15 is on the minus strand). VCF-style: chr10-53822752-T-G. GRCh37 (hg19) VCF-style: chr10-55582512-T-G.
Other names: c.4995A>C, p.Ser1665= (NM_001142763.2); c.4980A>C, p.Ser1660= (NM_001142764.2); c.4767A>C, p.Ser1589= (NM_001142765.2); c.4965A>C, p.Ser1655= (NM_001142766.2); c.4854A>C, p.Ser1618= (NM_001142767.2); c.4914A>C, p.Ser1638= (NM_001142768.2); c.4905A>C, p.Ser1635= (NM_001142773.2); c.4908A>C, p.Ser1636= (NM_001354404.2); and 6 more.
Identifiers: ClinVar variation 178519 (VCV000178519.23), dbSNP rs147993163, ClinGen allele CA182480.